The following is an entry in ClinVar:

NM_144997.7(FLCN):c.734C>A (p.Thr245Lys)

Gene: FLCN (folliculin; minus strand). Cytogenetic location: 17p11.2.
Variant type: single nucleotide variant.
Coding change: c.734C>A on transcript NM_144997.7 (MANE Select); coding-DNA position 734, C replaced by A.
Protein change: p.Thr245Lys; replaces threonine 245 with lysine.
Molecular consequence: missense variant.
Genome position (GRCh38, 1-based): chr17:17,222,546, G>T on the plus strand (C>A on the coding strand, the complement: FLCN is on the minus strand). VCF-style: chr17-17222546-G-T. GRCh37 (hg19) VCF-style: chr17-17125860-G-T.
Other names: c.788C>A, p.Thr263Lys (NM_001353229.2); c.734C>A, p.Thr245Lys (NM_001353230.2, NM_001353231.2, NM_144606.7); short protein forms T263K, T245K.
Identifiers: ClinVar variation 826983 (VCV000826983.20), dbSNP rs371401039, ClinGen allele CA8416328.

ClinVar aggregate classification (germline): Conflicting classifications of pathogenicity. Review status: criteria provided, conflicting classifications (1 of 4 stars). 6 submissions from 6 submitters: Uncertain significance (5); Likely benign (1). Last evaluated 2026-01-07.

Conditions:
Nonpapillary renal cell carcinoma. Identifiers: Orphanet 422526, MedGen CN074294, MONDO:0007763, OMIM 144700.
Colorectal cancer. Also called: Colorectal cancer, somatic; Malignant Colorectal Neoplasm. Identifiers: MedGen C0346629, MONDO:0005575, OMIM 114500.
Familial spontaneous pneumothorax (PSP). Identifiers: Orphanet 2903, MedGen C1868193, MONDO:0008259, OMIM 173600.
Birt-Hogg-Dube syndrome 1 (BHD1). Also called: FIBROFOLLICULOMAS WITH TRICHODISCOMAS AND ACROCHORDONS. Identifiers: Orphanet 122, MedGen CN375946, MONDO:0800445, OMIM 135150.
Birt-Hogg-Dube syndrome. Also called: Birt Hogg Dubé syndrome. Identifiers: Orphanet 122, MedGen C0346010, MONDO:0800444.
Hereditary cancer-predisposing syndrome. Also called: Neoplastic Syndromes, Hereditary; Hereditary Cancer Syndrome; Hereditary neoplastic syndrome; Tumor predisposition. Identifiers: Orphanet 140162, MedGen C0027672, MeSH D009386, MONDO:0015356.

Allele frequency attached by ClinVar (database versions not stated): gnomAD exomes below 0.00001 and 0.00001; ExAC 0.00001; gnomAD 0.00001; TOPMed 0.00001; ESP Exome Variant Server 0.00008.
gnomAD v4.1: 7 of 1,614,116 alleles (0.00043%); highest among the groups gnomAD compares: Non-Finnish European, 0.00059%; no homozygotes.

Submissions (6):

Labcorp Genetics (formerly Invitae), Labcorp
Classification: Uncertain significance for Birt-Hogg-Dube syndrome. Last evaluated: 2026-01-07. Review status: criteria provided, single submitter. Criteria: Invitae Variant Classification Sherloc (09022015). Collection method: clinical testing. Allele origin: germline.
Comment: This sequence change replaces threonine, which is neutral and polar, with lysine, which is basic and polar, at codon 245 of the FLCN protein (p.Thr245Lys). This variant is present in population databases (rs371401039, gnomAD 0.002%). This variant has not been reported in the literature in individuals affected with FLCN-related conditions. ClinVar contains an entry for this variant (Variation ID: 826983). Invitae Evidence Modeling of protein sequence and biophysical properties (such as structural, functional, and spatial information, amino acid conservation, physicochemical variation, residue mobility, and thermodynamic stability) indicates that this missense variant is expected to disrupt FLCN protein function with a positive predictive value of 80%. In summary, the available evidence is currently insufficient to determine the role of this variant in disease. Therefore, it has been classified as a Variant of Uncertain Significance.

Fulgent Genetics
Classification: Uncertain significance for Colorectal cancer; Birt-Hogg-Dube syndrome 1; Nonpapillary renal cell carcinoma; Familial spontaneous pneumothorax. Last evaluated: 2024-05-17. Review status: criteria provided, single submitter. Criteria: ACMG Guidelines, 2015. Collection method: clinical testing. Allele origin: germline.

Baylor Genetics
Classification: Uncertain significance for Birt-Hogg-Dube syndrome 1. Last evaluated: 2024-01-01. Review status: criteria provided, single submitter. Criteria: ACMG Guidelines, 2015. Collection method: clinical testing. Allele origin: unknown.

Ambry Genetics
Classification: Likely benign for Hereditary cancer-predisposing syndrome. Last evaluated: 2023-03-27. Review status: criteria provided, single submitter. Criteria: Ambry Variant Classification Scheme 2023. Collection method: clinical testing. Allele origin: germline.

GeneDx
Classification: Uncertain significance. Last evaluated: 2022-02-14. Review status: criteria provided, single submitter. Criteria: GeneDx Variant Classification Process June 2021. Collection method: clinical testing. Allele origin: germline. Affected: yes.
Comment: Not observed at a significant frequency in large population cohorts (gnomAD); In silico analysis supports that this missense variant has a deleterious effect on protein structure/function; Has not been previously published as pathogenic or benign to our knowledge

St. Jude Molecular Pathology, St. Jude Children's Research Hospital
Classification: Uncertain significance for Birt-Hogg-Dube syndrome 1. Last evaluated: 2021-05-20. Review status: criteria provided, single submitter. Criteria: St. Jude Assertion Criteria 2020. Collection method: clinical testing. Allele origin: germline.
Comment: The FLCN c.734C>A (p.Thr245Lys) missense change has a maximum frequency of 0.0015% in gnomAD v2.1.1 (PM2_supporting). Seven of seven in silico tools predict a deleterious effect of this variant on protein function (PP3), but to our knowledge these predictions have not been confirmed by functional assays. To our knowledge, this variant has not been reported in individuals with Birt-Hogg-DubÃ© syndrome. In summary, this variant meets criteria to be classified as of uncertain significance based on the ACMG/AMP criteria: PM2_supporting, PP3.

Literature cited by the submitters: PubMed 26580448 (cited by Ambry Genetics).